The following is an entry in ClinVar:

ClinVar aggregate classification (germline): Pathogenic. Review status: reviewed by expert panel (3 of 4 stars). 7 submissions from 7 submitters: Pathogenic (1). 6 of the submissions do not count toward it. Last evaluated 2022-09-06.

Conditions:
Cardiovascular phenotype. Identifiers: MedGen CN230736.
Glycogen storage disease, type II (IOPD). Also called: POMPE DISEASE, INFANTILE-ONSET; GLYCOGEN STORAGE DISEASE II, INFANTILE-ONSET; ACID ALPHA-GLUCOSIDASE DEFICIENCY, INFANTILE-ONSET; GAA DEFICIENCY, INFANTILE-ONSET; ACID MALTASE DEFICIENCY, INFANTILE-ONSET; CARDIOMEGALIA GLYCOGENICA DIFFUSA. Identifiers: Orphanet 365, MedGen C0017921, MONDO:0009290, OMIM 232300.

Allele frequency attached by ClinVar (database versions not stated): TOPMed below 0.00001; gnomAD 0.00001.

Submissions (7):

ClinGen Lysosomal Storage Disorder Variant Curation Expert Panel
Classification: Pathogenic for Glycogen storage disease, type II. Last evaluated: 2022-09-06. Review status: reviewed by expert panel. Criteria: clingen_lsd_acmg_specifications_v2-1. Collection method: curation. Allele origin: germline. Inheritance: Autosomal recessive inheritance.
Comment: The NM_000152.5(GAA):c.2706del variant in GAA is a frameshift variant predicted to cause a premature stop codon (p.Lys903ArgfsTer2). Although the predicted termination codon occurs in the penultimate exon, it is more than 50 base pairs upstream from the 3' end of the exon, and therefore, predicted to lead to nonsense mediated decay in a gene in which loss-of-function is an established disease mechanism. This prediction is supported by the finding of a patient with this variant who has no GAA cross reactive immunological material in cultured skin fibroblasts (i.e. CRIM-negative) (PMID 22252923) (PVS1). Three patients have been reported with deficient GAA activity in either dried blood spots (in the affected range based on clinical laboratory data) or cultured fibroblasts (<1% normal activity) (personal communication, PMIDs 22252923, 31710733) (PP4_Moderate). One of these patients is compound heterozygous, phase unknown, for the variant and a pathogenic variant in GAA, c.-33-13T>G ( PMID: 31710733), and another is homozygous for the variant (PMID: 22252923, personal communication) (PM3). The alleic data from this patient will be used in the classification of p.Pro684Leu and is not included here to avoid circular logic. This variant is absent in gnomAD v2.1.1 (PM2_Supporting). There is a ClinVar entry for this variant (Variation ID: 554339, 2 star review status) with 2 submitters reporting the variant as pathogenic and one as likely pathogenic). In summary, this variant meets the criteria to be classified as pathogenic for Pompe disease. GAA-specific ACMG-AMP criteria met, as specific by the ClinGen LSD VCEP (Specifications Version 2.0): PVS1, PM3, PP4_Moderate, PM2_Supporting.

Genomenon, Inc
Classification: Pathogenic for Glycogen storage disease, type II. Last evaluated: 2026-07-01. Review status: criteria provided, single submitter. Criteria: Genomenon Sequence Variant Interpretation Standards - Updated. Collection method: curation. Allele origin: germline. Affected: yes. Not counted in ClinVar's aggregate classification.
Comment: GAA p.Lys903ArgfsTer2 (c.2706del) is a frameshift variant that is predicted to introduce a premature termination codon and result in a truncated or absent protein product. This variant has been observed in at least one proband with a GAA-related disorder (PMID:37087815;31710733). It is absent or not present at a significant frequency in gnomAD. In conclusion, we classify GAA p.Lys903ArgfsTer2 (c.2706del) as a pathogenic variant.

Ambry Genetics
Classification: Pathogenic for Cardiovascular phenotype. Last evaluated: 2025-12-26. Review status: criteria provided, single submitter. Criteria: Ambry Variant Classification Scheme 2023. Collection method: clinical testing. Allele origin: germline. Not counted in ClinVar's aggregate classification.
Comment: The c.2706delG pathogenic mutation, located in coding exon 18 of the GAA gene, results from a deletion of one nucleotide at nucleotide position 2706, causing a translational frameshift with a predicted alternate stop codon (p.K903Rfs*2). This variant was reported in individual(s) with features consistent with Glycogen storage disease II (Bali DS et al. Am J Med Genet C Semin Med Genet, 2012 Feb;160C:40-9). This variant is considered to be rare based on population cohorts in the Genome Aggregation Database (gnomAD). This alteration is expected to result in loss of function by premature protein truncation or nonsense-mediated mRNA decay. As such, this alteration is interpreted as a disease-causing mutation.

Labcorp Genetics (formerly Invitae), Labcorp
Classification: Pathogenic for Glycogen storage disease, type II. Last evaluated: 2025-06-29. Review status: criteria provided, single submitter. Criteria: Invitae Variant Classification Sherloc (09022015). Collection method: clinical testing. Allele origin: germline. Not counted in ClinVar's aggregate classification.
Comment: This sequence change creates a premature translational stop signal (p.Lys903Argfs*2) in the GAA gene. It is expected to result in an absent or disrupted protein product. Loss-of-function variants in GAA are known to be pathogenic (PMID: 18425781, 22252923). This variant is not present in population databases (gnomAD no frequency). This premature translational stop signal has been observed in individual(s) with Pompe disease (PMID: 22252923). ClinVar contains an entry for this variant (Variation ID: 554339). Algorithms developed to predict the effect of sequence changes on RNA splicing suggest that this variant may disrupt the consensus splice site. For these reasons, this variant has been classified as Pathogenic.

Baylor Genetics
Classification: Pathogenic for Glycogen storage disease, type II. Last evaluated: 2023-03-09. Review status: criteria provided, single submitter. Criteria: ACMG Guidelines, 2015. Collection method: clinical testing. Allele origin: unknown. Not counted in ClinVar's aggregate classification.

Women's Health and Genetics/Laboratory Corporation of America, LabCorp
Classification: Pathogenic for Glycogen storage disease, type II. Last evaluated: 2021-12-30. Review status: criteria provided, single submitter. Criteria: LabCorp Variant Classification Summary - May 2015. Collection method: clinical testing. Allele origin: germline. Not counted in ClinVar's aggregate classification.
Comment: Variant summary: GAA c.2706delG (p.Lys903ArgfsX2) results in a premature termination codon, predicted to cause a truncation of the encoded protein or absence of the protein due to nonsense mediated decay, which are commonly known mechanisms for disease. Truncations downstream of this position have been classified as pathogenic by HGMD. The variant was absent in 250632 control chromosomes (gnomAD). c.2706delG has been reported in the literature in individuals affected with Glycogen Storage Disease, Type 2 (Pompe Disease) (example: Bali_2012, Khan_2019). To our knowledge, no experimental evidence demonstrating an impact on protein function has been reported. Two clinical diagnostic laboratories have submitted clinical-significance assessments for this variant to ClinVar after 2014 and classified the variant as pathogenic(n=1) and likely pathogenic (n=1). Based on the evidence outlined above, the variant was classified as pathogenic.

Counsyl
Classification: Likely pathogenic for Glycogen storage disease, type II. Last evaluated: 2017-10-16. Review status: no assertion criteria provided. Collection method: clinical testing. Allele origin: unknown. Not counted in ClinVar's aggregate classification.

Literature cited by the submitters: PubMed 37087815 (cited by Genomenon, Inc); PubMed 31710733 (cited by Genomenon, Inc and Women's Health and Genetics/Laboratory Corporation of America, LabCorp); PubMed 22252923 (cited by 4 submitters); PubMed 18425781 (cited by Labcorp Genetics (formerly Invitae), Labcorp).

NM_000152.5(GAA):c.2706del (p.Lys903fs)

Gene: GAA (alpha glucosidase; plus strand). Cytogenetic location: 17q25.3.
Variant type: Deletion.
Coding change: c.2706del on transcript NM_000152.5 (MANE Select); coding-DNA position 2706, one base deleted (G; older notation c.2706delG).
Protein change: p.Lys903fs; shifts the reading frame from lysine 903.
Molecular consequence: frameshift variant.
Genome position (GRCh38, 1-based): chr17:80,118,712, G deleted. VCF-style (leftmost placement, unchanged base first): chr17-80118711-AG-A. GRCh37 (hg19) VCF-style: chr17-78092510-AG-A.
Other names: NM_000152.5(GAA):c.2706del; p.Lys903fs; c.2706del (LRG_673t1); c.2706del, p.Lys903fs (NM_001079803.3, NM_001079804.3); short protein forms K903fs.
Identifiers: ClinVar variation 554339 (VCV000554339.14), dbSNP rs1428358278, ClinGen allele CA658795297.